The following is an entry in ClinVar:

ClinVar aggregate classification (germline): Uncertain significance (1 of 4 stars; one submission).

Allele frequency attached by ClinVar (database versions not stated): gnomAD exomes 0.00001; TOPMed 0.00001.
gnomAD v4.1: 14 of 1,573,900 alleles (0.00089%); highest among the groups gnomAD compares: East Asian, 0.0024%; no homozygotes.

Submission:

Labcorp Genetics (formerly Invitae), Labcorp
Classification: Uncertain significance. Last evaluated: 2025-04-18. Review status: criteria provided, single submitter. Criteria: Invitae Variant Classification Sherloc (09022015). Collection method: clinical testing. Allele origin: germline.
Comment: This sequence change replaces threonine, which is neutral and polar, with isoleucine, which is neutral and non-polar, at codon 458 of the FCHO1 protein (p.Thr458Ile). This variant is present in population databases (no rsID available, gnomAD 0.007%). This variant has not been reported in the literature in individuals affected with FCHO1-related conditions. ClinVar contains an entry for this variant (Variation ID: 2996086). An algorithm developed to predict the effect of missense changes on protein structure and function (PolyPhen-2) suggests that this variant is likely to be disruptive. In summary, the available evidence is currently insufficient to determine the role of this variant in disease. Therefore, it has been classified as a Variant of Uncertain Significance.

NM_015122.3(FCHO1):c.1373C>T (p.Thr458Ile)

Gene: FCHO1 (FCH and mu domain containing endocytic adaptor 1; plus strand). Cytogenetic location: 19p13.11.
Variant type: single nucleotide variant.
Coding change: c.1373C>T on transcript NM_015122.3 (MANE Select); coding-DNA position 1373, C replaced by T.
Protein change: p.Thr458Ile; replaces threonine 458 with isoleucine.
Molecular consequence: missense variant. On other transcripts: non-coding transcript variant (14), intron variant (15).
Genome position (GRCh38, 1-based): chr19:17,778,630, C>T. VCF-style: chr19-17778630-C-T. GRCh37 (hg19) VCF-style: chr19-17889439-C-T.
Other names: c.1373C>T, p.Thr458Ile (NM_001161357.2, NM_001161358.2, NM_001384370.1 and 13 more transcripts); c.1223C>T, p.Thr408Ile (NM_001161359.2, NM_001384384.1, NM_001384385.1 and 1 more transcripts); c.1334C>T, p.Thr445Ile (NM_001384388.1, NM_001384389.1, NM_001384405.1); c.1298C>T, p.Thr433Ile (NM_001384390.1); c.1351+402C>T (NM_001384396.1, NM_001384404.1, NM_001384398.1 and 5 more transcripts); c.1201+402C>T (NM_001384406.1); c.1057+2359C>T (NM_001384407.1); c.1352-96C>T (NM_001384393.1, NM_001384394.1, NM_001384392.1 and 1 more transcripts); and 1 more; short protein forms T445I, T458I, T408I, T433I.
Identifiers: ClinVar variation 2996086 (VCV002996086.2), dbSNP rs1259867339, ClinGen allele CA404753153.